The following is an entry in ClinVar:

NC_000020.10:g.(?_3215204)_(3219846_?)del

Gene: SLC4A11 (solute carrier family 4 member 11; minus strand). Cytogenetic location: 20p13.
Variant type: Deletion.
Identifiers: ClinVar variation 1070390 (VCV001070390.5).

ClinVar aggregate classification (germline): Pathogenic (1 of 4 stars; one submission).

Submission:

Labcorp Genetics (formerly Invitae), Labcorp
Classification: Pathogenic. Last evaluated: 2020-06-10. Review status: criteria provided, single submitter. Criteria: Invitae Variant Classification Sherloc (09022015). Collection method: clinical testing. Allele origin: germline.
Comment: For these reasons, this variant has been classified as Pathogenic. Loss-of-function variants in SLC4A11 are known to be pathogenic (PMID: 17220209, 17679935). This variant has not been reported in the literature in individuals with SLC4A11-related conditions. This variant is a gross deletion of the genomic region encompassing exons 1-3 of the SLC4A11 gene, which includes the initiator codon. The 5' end of this event is unknown as it extends beyond the assayed region for this gene and therefore may encompass additional genes. The 3' boundary is likely confined to intron 3 of the SLC4A11 gene. This is expected to result in an absent or disrupted protein product.

Literature cited by the submitters: PubMed 17220209; PubMed 17679935.